The following is an entry in ClinVar:

NM_133433.4(NIPBL):c.5113C>T (p.His1705Tyr)

Gene: NIPBL (NIPBL cohesin loading factor; plus strand). Cytogenetic location: 5p13.2.
Variant type: single nucleotide variant.
Coding change: c.5113C>T on transcript NM_133433.4 (MANE Select); coding-DNA position 5113, C replaced by T.
Protein change: p.His1705Tyr; replaces histidine 1705 with tyrosine.
Molecular consequence: missense variant.
Genome position (GRCh38, 1-based): chr5:37,020,561, C>T. VCF-style: chr5-37020561-C-T. GRCh37 (hg19) VCF-style: chr5-37020663-C-T.
Other names: c.5113C>T, p.His1705Tyr (NM_015384.5); short protein forms H1705Y.
Identifiers: ClinVar variation 2966028 (VCV002966028.10), dbSNP rs750570299, ClinGen allele CA3236700.

ClinVar aggregate classification (germline): Uncertain significance. Review status: criteria provided, multiple submitters, no conflicts (2 of 4 stars). 3 submissions from 3 submitters: Uncertain significance (3). Last evaluated 2025-12-31.

Conditions:
Cornelia de Lange syndrome 1 (CDLS1). Also called: NIPBL-Related Cornelia de Lange Syndrome; TYPUS DEGENERATIVUS AMSTELODAMENSIS; Brachmann de Lange syndrome. Identifiers: Orphanet 199, MedGen C4551851, MONDO:0007387, OMIM 122470.

Allele frequency attached by ClinVar (database versions not stated): gnomAD 0.00001; TOPMed 0.00001; ExAC 0.00002; gnomAD exomes 0.00003.
gnomAD v4.1: 40 of 1,613,768 alleles (0.0025%); highest among the groups gnomAD compares: Non-Finnish European, 0.0031%; no homozygotes.

Submissions (3):

Women's Health and Genetics/Laboratory Corporation of America, LabCorp
Classification: Uncertain significance. Last evaluated: 2025-12-31. Review status: criteria provided, single submitter. Criteria: LabCorp Variant Classification Summary - May 2015. Collection method: clinical testing. Allele origin: germline.
Comment: Variant summary: NIPBL c.5113C>T (p.His1705Tyr) results in a conservative amino acid change in the encoded protein sequence. Algorithms developed to predict the effect of missense changes on protein structure and function are either unavailable or do not agree on the potential impact of this missense change. The variant allele was found at a frequency of 2e-05 in 251334 control chromosomes. The available data on variant occurrences in the general population are insufficient to allow any conclusion about variant significance. To our knowledge, no occurrence of c.5113C>T in individuals affected with NIPBL-related conditions and no experimental evidence demonstrating its impact on protein function have been reported. ClinVar contains an entry for this variant (Variation ID: 2966028). Based on the evidence outlined above, the variant was classified as uncertain significance.

CeGaT Center for Human Genetics Tuebingen
Classification: Uncertain significance. Last evaluated: 2025-11-01. Review status: criteria provided, single submitter. Criteria: CeGaT Center For Human Genetics Tuebingen Variant Classification Criteria Version 2. Collection method: clinical testing. Allele origin: germline. Affected: yes. Observed: 1 variant allele.

Labcorp Genetics (formerly Invitae), Labcorp
Classification: Uncertain significance for Cornelia de Lange syndrome 1. Last evaluated: 2023-10-07. Review status: criteria provided, single submitter. Criteria: Invitae Variant Classification Sherloc (09022015). Collection method: clinical testing. Allele origin: germline.
Comment: This sequence change replaces histidine, which is basic and polar, with tyrosine, which is neutral and polar, at codon 1705 of the NIPBL protein (p.His1705Tyr). This variant is present in population databases (rs750570299, gnomAD 0.004%). This variant has not been reported in the literature in individuals affected with NIPBL-related conditions. Advanced modeling of protein sequence and biophysical properties (such as structural, functional, and spatial information, amino acid conservation, physicochemical variation, residue mobility, and thermodynamic stability) has been performed at Invitae for this missense variant, however the output from this modeling did not meet the statistical confidence thresholds required to predict the impact of this variant on NIPBL protein function. In summary, the available evidence is currently insufficient to determine the role of this variant in disease. Therefore, it has been classified as a Variant of Uncertain Significance.